The following is an entry in ClinVar:

NM_000257.4(MYH7):c.28G>A (p.Gly10Arg)

Gene: MYH7 (myosin heavy chain 7; minus strand). Cytogenetic location: 14q11.2.
Variant type: single nucleotide variant.
Coding change: c.28G>A on transcript NM_000257.4 (MANE Select); coding-DNA position 28, G replaced by A.
Protein change: p.Gly10Arg; replaces glycine 10 with arginine.
Molecular consequence: missense variant.
Genome position (GRCh38, 1-based): chr14:23,433,705, C>T on the plus strand (G>A on the coding strand, the complement: MYH7 is on the minus strand). VCF-style: chr14-23433705-C-T. GRCh37 (hg19) VCF-style: chr14-23902914-C-T.
Other names: short protein forms G10R.
Identifiers: ClinVar variation 180057 (VCV000180057.7), dbSNP rs199577321, ClinGen allele CA013184.

ClinVar aggregate classification (germline): Uncertain significance. Review status: criteria provided, multiple submitters, no conflicts (2 of 4 stars). 3 submissions from 3 submitters: Uncertain significance (3). Last evaluated 2022-06-08.

Conditions:
Cardiomyopathy (CMYO). Also called: Cardiomyopathies. Identifiers: Orphanet 167848, MedGen C0878544, MONDO:0004994, HP:0001638. Inheritance: Various modes of inheritance.

Submissions (3):

Blueprint Genetics
Classification: Uncertain significance. Last evaluated: 2022-06-08. Review status: criteria provided, single submitter. Criteria: ACMG Guidelines, 2015. Collection method: clinical testing. Allele origin: germline.

CHEO Genetics Diagnostic Laboratory, Children's Hospital of Eastern Ontario
Classification: Uncertain significance for Cardiomyopathy. Last evaluated: 2018-10-11. Review status: criteria provided, single submitter. Criteria: ACMG Guidelines, 2015. Collection method: clinical testing. Allele origin: germline.

Laboratory for Molecular Medicine, Mass General Brigham Personalized Medicine
Classification: Uncertain significance. Last evaluated: 2018-03-09. Review status: criteria provided, single submitter. Criteria: LMM Criteria. Collection method: clinical testing. Allele origin: germline. Observed: 1 variant allele.
Comment: Variant classified as Uncertain Significance - Favor Benign. The c.28G>A (p.Gly1 0Arg) variant in MYH7 has not been previously reported in individuals with cardi omyopathy and was absent from large population studies. Computational prediction tools and conservation analysis do not provide strong support for or against an impact to the protein. Another variant (c.28G>C) resulting in the same amino ac id change has been identified in 0.15% of Ashkenazi Jewish chromosomes by the Ge nome Aggregation Database (gnomAD; dbSNP rs199 577321) and has been classified as likely benign by this laboratory. In summary, while the clinical significance of the c.28G>A (p.Gly10Arg) variant is uncertai n, the high allele frequency of another variant resulting in the same amino acid change suggests that this variant is more likely to be benign. ACMG/AMP Criteri a applied: None.